The following is an entry in ClinVar:

NM_000878.5(IL2RB):c.653C>T (p.Thr218Met)

Gene: IL2RB (interleukin 2 receptor subunit beta; minus strand). Cytogenetic location: 22q12.3.
Variant type: single nucleotide variant.
Coding change: c.653C>T on transcript NM_000878.5 (MANE Select); coding-DNA position 653, C replaced by T.
Protein change: p.Thr218Met; replaces threonine 218 with methionine.
Molecular consequence: missense variant.
Genome position (GRCh38, 1-based): chr22:37,136,278, G>A on the plus strand (C>T on the coding strand, the complement: IL2RB is on the minus strand). VCF-style: chr22-37136278-G-A. GRCh37 (hg19) VCF-style: chr22-37532318-G-A.
Other names: c.653C>T, p.Thr218Met (NM_001346222.1, NM_001346223.2); short protein forms T218M.
Identifiers: ClinVar variation 1437056 (VCV001437056.8), dbSNP rs780238707, ClinGen allele CA10216561.

ClinVar aggregate classification (germline): Uncertain significance (1 of 4 stars; one submission).

Allele frequency attached by ClinVar (database versions not stated): gnomAD 0.00002; ExAC 0.00003; TOPMed 0.00003; gnomAD exomes 0.00004 and 0.00009.

Submission:

Labcorp Genetics (formerly Invitae), Labcorp
Classification: Uncertain significance. Last evaluated: 2022-02-03. Review status: criteria provided, single submitter. Criteria: Invitae Variant Classification Sherloc (09022015). Collection method: clinical testing. Allele origin: germline.
Comment: In summary, the available evidence is currently insufficient to determine the role of this variant in disease. Therefore, it has been classified as a Variant of Uncertain Significance. Algorithms developed to predict the effect of missense changes on protein structure and function output the following: SIFT: "Tolerated"; PolyPhen-2: "Benign"; Align-GVGD: "Class C0". The methionine amino acid residue is found in multiple mammalian species, which suggests that this missense change does not adversely affect protein function. This variant has not been reported in the literature in individuals affected with IL2RB-related conditions. This variant is present in population databases (rs780238707, gnomAD 0.04%). This sequence change replaces threonine, which is neutral and polar, with methionine, which is neutral and non-polar, at codon 218 of the IL2RB protein (p.Thr218Met).